The following is an entry in ClinVar:

ClinVar aggregate classification (germline): Uncertain significance (1 of 4 stars; one submission).

Conditions:
RASopathy. Also called: Noonan spectrum disorder; rasopathies. Identifiers: Orphanet 536391, MedGen C5555857, MONDO:0021060.

gnomAD v4.1: 10 of 1,613,842 alleles (0.00062%); highest among the groups gnomAD compares: Non-Finnish European, 0.00085%; no homozygotes.

Submission:

Labcorp Genetics (formerly Invitae), Labcorp
Classification: Uncertain significance for RASopathy. Last evaluated: 2025-03-11. Review status: criteria provided, single submitter. Criteria: Invitae Variant Classification Sherloc (09022015). Collection method: clinical testing. Allele origin: germline.
Comment: This sequence change replaces asparagine, which is neutral and polar, with histidine, which is basic and polar, at codon 474 of the SOS1 protein (p.Asn474His). This variant is not present in population databases (gnomAD no frequency). This variant has not been reported in the literature in individuals affected with SOS1-related conditions. Invitae Evidence Modeling of protein sequence and biophysical properties (such as structural, functional, and spatial information, amino acid conservation, physicochemical variation, residue mobility, and thermodynamic stability) has been performed for this missense variant. However, the output from this modeling did not meet the statistical confidence thresholds required to predict the impact of this variant on SOS1 protein function. In summary, the available evidence is currently insufficient to determine the role of this variant in disease. Therefore, it has been classified as a Variant of Uncertain Significance.

NM_005633.4(SOS1):c.1420A>C (p.Asn474His)

Gene: SOS1 (SOS Ras/Rac guanine nucleotide exchange factor 1; minus strand). Cytogenetic location: 2p22.1.
Variant type: single nucleotide variant.
Coding change: c.1420A>C on transcript NM_005633.4 (MANE Select); coding-DNA position 1420, A replaced by C.
Protein change: p.Asn474His; replaces asparagine 474 with histidine.
Molecular consequence: missense variant.
Genome position (GRCh38, 1-based): chr2:39,023,008, T>G on the plus strand (A>C on the coding strand, the complement: SOS1 is on the minus strand). VCF-style: chr2-39023008-T-G. GRCh37 (hg19) VCF-style: chr2-39250149-T-G.
Other names: c.1399A>C, p.Asn467His (NM_001382394.1); c.1420A>C, p.Asn474His (NM_001382395.1); short protein forms N474H, N467H.
Identifiers: ClinVar variation 3670687 (VCV003670687.2).